The following is an entry in ClinVar:

ClinVar aggregate classification (germline): Uncertain significance (1 of 4 stars; one submission).

Submission:

Mayo Clinic Laboratories, Mayo Clinic
Classification: Uncertain significance. Last evaluated: 2024-06-20. Review status: criteria provided, single submitter. Criteria: ACMG Guidelines, 2015. Collection method: clinical testing. Allele origin: germline. Observed: 1 variant allele.
Comment: BP4

NM_000064.4(C3):c.3822G>C (p.Met1274Ile)

Gene: C3 (complement C3; minus strand). Cytogenetic location: 19p13.3.
Variant type: single nucleotide variant.
Coding change: c.3822G>C on transcript NM_000064.4 (MANE Select); coding-DNA position 3822, G replaced by C.
Protein change: p.Met1274Ile; replaces methionine 1274 with isoleucine.
Molecular consequence: missense variant.
Genome position (GRCh38, 1-based): chr19:6,685,135, C>G on the plus strand (G>C on the coding strand, the complement: C3 is on the minus strand). VCF-style: chr19-6685135-C-G. GRCh37 (hg19) VCF-style: chr19-6685146-C-G.
Other names: p.Met1274Ile; short protein forms M1274I.
Identifiers: ClinVar variation 3380564 (VCV003380564.1).